The following is an entry in ClinVar:

ClinVar aggregate classification (germline): Pathogenic (1 of 4 stars; one submission).

Conditions:
Smith-Magenis syndrome (SMS). Also called: CHROMOSOME 17p11.2 DELETION SYNDROME. Identifiers: Orphanet 819, MedGen C0795864, MONDO:0008434, OMIM 182290.

Submission:

Clinical Genetics Laboratory, Skane University Hospital Lund
Classification: Pathogenic for Smith-Magenis syndrome. Last evaluated: 2025-03-12. Review status: criteria provided, single submitter. Criteria: ACMG Guidelines, 2015. Collection method: clinical testing. Allele origin: de novo. Inheritance: Autosomal dominant inheritance. Affected: yes.
Comment: ACMG criteria used: PVS1, PS2_moderate, PM2

NM_030665.4(RAI1):c.1507_1523dup (p.His509fs)

Gene: RAI1 (retinoic acid induced 1; plus strand). Cytogenetic location: 17p11.2.
Variant type: Duplication.
Coding change: c.1507_1523dup on transcript NM_030665.4 (MANE Select); coding-DNA positions 1507 to 1523, 17 bases duplicated (AGCACGCCACAGTCCAC).
Protein change: p.His509fs; shifts the reading frame from histidine 509.
Molecular consequence: frameshift variant.
Genome position (GRCh38, 1-based): chr17:17,794,455-17,794,471, AGCACGCCACAGTCCAC duplicated; duplicating any 17 consecutive bases within chr17:17,794,454-17,794,471 gives the same sequence; the c. name uses the placement nearest the transcript's 3' end. VCF-style (leftmost placement, unchanged base first): chr17-17794453-G-GCAGCACGCCACAGTCCA. GRCh37 (hg19) VCF-style: chr17-17697767-G-GCAGCACGCCACAGTCCA.
Other names: short protein forms H509fs.
Identifiers: ClinVar variation 3767310 (VCV003767310.1).
Genomic context (GRCh38, chr17:17,794,453, plus strand): 5'-GCCCCGAAGGGAGCGGCTACTCAGCCGAGCCCGCAGGCACACCGCTGTCAGAGCCGCCGA[G>GCAGCACGCCACAGTCCA]CAGCACGCCACAGTCCACGCATGCGGAGCCGCAGGAGGCCGACTACCTGAGCGGCTCCGA-3'